The following is an entry in ClinVar:

ClinVar aggregate classification (germline): Uncertain significance. Review status: criteria provided, multiple submitters, no conflicts (2 of 4 stars). 2 submissions from 2 submitters: Uncertain significance (2). Last evaluated 2024-12-22.

gnomAD v4.1: 5 of 1,583,128 alleles (0.00032%); highest among the groups gnomAD compares: South Asian, 0.0022%; no homozygotes.

Submissions (2):

Labcorp Genetics (formerly Invitae), Labcorp
Classification: Uncertain significance. Last evaluated: 2024-12-22. Review status: criteria provided, single submitter. Criteria: Invitae Variant Classification Sherloc (09022015). Collection method: clinical testing. Allele origin: germline.
Comment: This sequence change falls in intron 22 of the OPA1 gene. It does not directly change the encoded amino acid sequence of the OPA1 protein. It affects a nucleotide within the consensus splice site. This variant is present in population databases (no rsID available, gnomAD 0.003%). This variant has not been reported in the literature in individuals affected with OPA1-related conditions. Variants that disrupt the consensus splice site are a relatively common cause of aberrant splicing (PMID: 17576681, 9536098). Algorithms developed to predict the effect of sequence changes on RNA splicing suggest that this variant may disrupt the consensus splice site. In summary, the available evidence is currently insufficient to determine the role of this variant in disease. Therefore, it has been classified as a Variant of Uncertain Significance.

Blueprint Genetics
Classification: Uncertain significance. Last evaluated: 2021-09-07. Review status: criteria provided, single submitter. Criteria: ACMG Guidelines, 2015. Collection method: clinical testing. Allele origin: germline.

Literature cited by the submitters: PubMed 17576681 (cited by Labcorp Genetics (formerly Invitae), Labcorp); PubMed 9536098 (cited by Labcorp Genetics (formerly Invitae), Labcorp).

NM_130837.3(OPA1):c.2440+6T>C

Gene: OPA1 (OPA1 mitochondrial dynamin like GTPase; plus strand). Cytogenetic location: 3q29.
Variant type: single nucleotide variant.
Coding change: c.2440+6T>C on transcript NM_130837.3 (MANE Select); 6 bases into the intron after coding-DNA position 2440, T replaced by C.
Molecular consequence: intron variant.
Genome position (GRCh38, 1-based): chr3:193,659,001, T>C. VCF-style: chr3-193659001-T-C. GRCh37 (hg19) VCF-style: chr3-193376790-T-C.
Other names: c.1903+6T>C (NM_001354664.2); c.1906+6T>C (NM_001354663.2); c.2329+6T>C (NM_130834.3); c.2386+6T>C (NM_130836.3); c.2275+6T>C (NM_015560.3); c.2332+6T>C (NM_130835.3); c.2221+6T>C (NM_130832.3); c.2278+6T>C (NM_130833.3); and 1 more.
Identifiers: ClinVar variation 3611149 (VCV003611149.3).